The following is an entry in ClinVar:

ClinVar aggregate classification (germline): Pathogenic/Likely pathogenic. Review status: criteria provided, multiple submitters, no conflicts (2 of 4 stars). 8 submissions from 8 submitters: Pathogenic (4); Likely pathogenic (3). 1 of the submissions does not count toward it. Last evaluated 2024-06-27.

Conditions:
Wilson disease (WND). Also called: Wilson's disease. Identifiers: Orphanet 905, MedGen C0019202, MONDO:0010200, OMIM 277900. Disease mechanism: loss of function.

Allele frequency attached by ClinVar (database versions not stated): gnomAD exomes below 0.00001.
gnomAD v4.1: 2 of 1,614,226 alleles (0.00012%); highest among the groups gnomAD compares: Non-Finnish European, 0.00017%; no homozygotes.

Submissions (8):

Natera, Inc.
Classification: Likely pathogenic for Wilson disease. Last evaluated: 2024-06-27. Review status: criteria provided, single submitter. Criteria: Natera Variant Classification Schema (03/2026). Collection method: clinical testing. Allele origin: germline.
Comment: The c.3529C>T variant in ATP7B is a nonsense variant predicted to introduce a stop codon at amino acid 1177. This variant is expected to result in nonsense mediated decay, truncation, or a dysfunctional protein product. This variant is rare in the general population with a frequency below the threshold expected for the associated phenotype(s). Given the available evidence, this variant is classified as Likely Pathogenic.

Baylor Genetics
Classification: Likely pathogenic for Wilson disease. Last evaluated: 2024-03-06. Review status: criteria provided, single submitter. Criteria: ACMG Guidelines, 2015. Collection method: clinical testing. Allele origin: unknown.

All of Us Research Program, National Institutes of Health
Classification: Pathogenic for Wilson disease. Last evaluated: 2023-06-26. Review status: criteria provided, single submitter. Criteria: ACMG Guidelines, 2015. Collection method: clinical testing. Allele origin: germline. Inheritance: Autosomal recessive inheritance. Observed: 1 variant allele, 1 heterozygote.
Comment: This variant changes 1 nucleotide in exon 16 of the ATP7B gene, creating a premature translation stop signal. This variant is expected to result in an absent or non-functional protein product. To our knowledge, this variant has not been reported in individuals affected with Wilson disease in the literature. This variant has been identified in 1/249588 chromosomes in the general population by the Genome Aggregation Database (gnomAD). Loss of ATP7B function is a known mechanism of disease. Based on the available evidence, this variant is classified as Pathogenic.

This study involves interpretation of variants in research participants for the purpose of population health screening. Participant phenotype was not available at the time of variant classification. Additional details can be found in publication PMID: 35346344, PMCID: PMC8962531

Mayo Clinic Laboratories, Mayo Clinic
Classification: Likely pathogenic. Last evaluated: 2022-10-21. Review status: criteria provided, single submitter. Criteria: ACMG Guidelines, 2015. Collection method: clinical testing. Allele origin: germline. Observed: 1 variant allele.
Comment: PM2, PVS1

Genome-Nilou Lab
Classification: Pathogenic for Wilson disease. Last evaluated: 2021-08-10. Review status: criteria provided, single submitter. Criteria: ACMG Guidelines, 2015. Collection method: clinical testing. Allele origin: germline. Affected: no.

CeGaT Center for Human Genetics Tuebingen
Classification: Pathogenic. Last evaluated: 2021-06-01. Review status: criteria provided, single submitter. Criteria: CeGaT Center For Human Genetics Tuebingen Variant Classification Criteria Version 2. Collection method: clinical testing. Allele origin: germline. Affected: yes. Observed: 1 variant allele.

Labcorp Genetics (formerly Invitae), Labcorp
Classification: Pathogenic for Wilson disease. Last evaluated: 2020-07-21. Review status: criteria provided, single submitter. Criteria: Invitae Variant Classification Sherloc (09022015). Collection method: clinical testing. Allele origin: germline.
Comment: This variant has not been reported in the literature in individuals with ATP7B-related conditions. ClinVar contains an entry for this variant (Variation ID: 370427). Loss-of-function variants in ATP7B are known to be pathogenic (PMID: 10441329, 16283883). For these reasons, this variant has been classified as Pathogenic. This sequence change creates a premature translational stop signal (p.Gln1177*) in the ATP7B gene. It is expected to result in an absent or disrupted protein product. This variant is not present in population databases (ExAC no frequency).

Counsyl
Classification: Likely pathogenic for Wilson disease. Last evaluated: 2016-02-08. Review status: no assertion criteria provided. Collection method: clinical testing. Allele origin: unknown. Not counted in ClinVar's aggregate classification.

Literature cited by the submitters: PubMed 10441329 (cited by Labcorp Genetics (formerly Invitae), Labcorp); PubMed 16283883 (cited by Labcorp Genetics (formerly Invitae), Labcorp).

NM_000053.4(ATP7B):c.3529C>T (p.Gln1177Ter)

Gene: ATP7B (ATPase copper transporting beta; minus strand). Cytogenetic location: 13q14.3.
Variant type: single nucleotide variant.
Coding change: c.3529C>T on transcript NM_000053.4 (MANE Select); coding-DNA position 3529, C replaced by T.
Protein change: p.Gln1177Ter; replaces glutamine 1177 with a stop codon.
Molecular consequence: nonsense.
Genome position (GRCh38, 1-based): chr13:51,941,108, G>A on the plus strand (C>T on the coding strand, the complement: ATP7B is on the minus strand). VCF-style: chr13-51941108-G-A. GRCh37 (hg19) VCF-style: chr13-52515244-G-A.
Other names: p.Gln1177*; c.2908C>T, p.Gln970Ter (NM_001005918.3); c.3196C>T, p.Gln1066Ter (NM_001243182.2); c.3295C>T, p.Gln1099Ter (NM_001330578.2); c.3277C>T, p.Gln1093Ter (NM_001330579.2); short protein forms Q1177*, Q1066*, Q970*, Q1099*, Q1093*.
Identifiers: ClinVar variation 370427 (VCV000370427.51), dbSNP rs1057516479, ClinGen allele CA16041665.
Genomic context (GRCh38, chr13:51,941,108, plus strand): 5'-AGAGAGCGGAAGGAAGGCAGAAGCAGAAGATACCGTCAATAGCCACCAGGATGGCTGTCT[G>A]TCCTTTCATCTCGTGGTCTGTCATAGCGTCACTGACATCGCTAGAAATGGTTAAACCGTT-3'